The following is an entry in ClinVar:

Conditions:
Long QT syndrome 5 (LQT5). Identifiers: Orphanet 101016, Orphanet 768, MedGen C1867904, MONDO:0013372, OMIM 613695.

Submission:

Roden Lab, Vanderbilt University Medical Center
No classification provided (evidence only). Condition: Long QT syndrome 5. Review status: no classification provided. Collection method: in vitro. Allele origin: not applicable. Functional consequence: Effect on ion channel function.
ClinVar note: "not provided" was previously submitted as the classification for the variant. However, the classification appeared to be based only on an observation of functional data so it was converted to no classification on 2025-07-30.

NM_000219.6(KCNE1):c.195C>G (p.Tyr65Ter)

Gene: KCNE1 (potassium voltage-gated channel subfamily E regulatory subunit 1; minus strand). Cytogenetic location: 21q22.12.
Variant type: single nucleotide variant.
Coding change: c.195C>G on transcript NM_000219.6 (MANE Select); coding-DNA position 195, C replaced by G.
Protein change: p.Tyr65Ter; replaces tyrosine 65 with a stop codon.
Molecular consequence: nonsense.
Genome position (GRCh38, 1-based): chr21:34,449,440, G>C on the plus strand (C>G on the coding strand, the complement: KCNE1 is on the minus strand). VCF-style: chr21-34449440-G-C. GRCh37 (hg19) VCF-style: chr21-35821738-G-C.
Other names: c.195C>G, p.Tyr65Ter (NM_001127668.4, NM_001127669.4, NM_001127670.4 and 4 more transcripts); short protein forms Y65*.
Identifiers: ClinVar variation 3374301 (VCV003374301.2).
Genomic context (GRCh38, chr21:34,449,440, plus strand): 5'-ATCGGACTCGATGTAGACGTTGAATGGGTCGTTCGAGTGCTCCAGCTTCTTGGAGCGGAT[G>C]TAGCTCAGCATGATGCCCAGGGTGAAGAAGCCGAAGAATCCCAGTACCATGAGGACGTAG-3'